The following is an entry in ClinVar:

NM_006005.3(WFS1):c.*288C>T

Gene: WFS1 (wolframin ER transmembrane glycoprotein; plus strand). Cytogenetic location: 4p16.1.
Variant type: single nucleotide variant.
Coding change: c.*288C>T on transcript NM_006005.3 (MANE Select); 288 bases downstream of the stop codon, C replaced by T.
Molecular consequence: 3 prime UTR variant.
Genome position (GRCh38, 1-based): chr4:6,302,756, C>T. VCF-style: chr4-6302756-C-T. GRCh37 (hg19) VCF-style: chr4-6304483-C-T.
Other names: c.*288C>T (NM_001145853.1).
Identifiers: ClinVar variation 349343 (VCV000349343.6), dbSNP rs56072224, ClinGen allele CA10621480.

ClinVar aggregate classification (germline): Benign/Likely benign. Review status: criteria provided, multiple submitters, no conflicts (2 of 4 stars). 3 submissions from 2 submitters: Benign (1); Likely benign (2). Last evaluated 2018-01-13.

Conditions:
Autosomal dominant nonsyndromic hearing loss 6 (LFSNHL). Also called: DEAFNESS, AUTOSOMAL DOMINANT 6; DEAFNESS, AUTOSOMAL DOMINANT 14; DEAFNESS, AUTOSOMAL DOMINANT 38; Autosomal dominant nonsyndromic deafness 6; DIDMOAD (Diabetes Insipidus, Diabetes Mellitus, Optic Atrophy, and Deafness). Identifiers: Orphanet 90635, MedGen C1833021, MONDO:0010963, OMIM 600965.
WFS1-Related Spectrum Disorders.
Wolfram syndrome 1 (WFS1). Identifiers: Orphanet 3463, MedGen C4551693, MONDO:0009101, OMIM 222300.

Allele frequency attached by ClinVar (database versions not stated): gnomAD 0.00248; 1000 Genomes Project 0.00260; 1000 Genomes Project 30x 0.00265; TOPMed 0.00290; gnomAD exomes 0.00342.
gnomAD v4.1: 1,737 of 534,086 alleles (0.33%); highest among the groups gnomAD compares: Middle Eastern, 0.7%; 4 homozygotes.

Submissions (3):

Illumina Laboratory Services, Illumina
Classification: Likely benign for Autosomal dominant nonsyndromic hearing loss 6. Last evaluated: 2018-01-13. Review status: criteria provided, single submitter. Criteria: ICSL Variant Classification Criteria 13 December 2019. Collection method: clinical testing. Allele origin: germline.
Comment: This variant was observed in the ICSL laboratory as part of a predisposition screen in an ostensibly healthy population. It had not been previously curated by ICSL or reported in the Human Gene Mutation Database (HGMD: prior to June 1st, 2018), and was therefore a candidate for classification through an automated scoring system. Utilizing variant allele frequency, disease prevalence and penetrance estimates, and inheritance mode, an automated score was calculated to assess if this variant is too frequent to cause the disease. Based on the score and internal cut-off values, a variant classified as likely benign is not then subjected to further curation. The score for this variant resulted in a classification of likely benign for this disease.

Illumina Laboratory Services, Illumina
Classification: Likely benign for WFS1-Related Spectrum Disorders. Last evaluated: 2018-01-13. Review status: criteria provided, single submitter. Criteria: ICSL Variant Classification Criteria 13 December 2019. Collection method: clinical testing. Allele origin: germline.
Comment: the same text as in the submission from Illumina Laboratory Services, Illumina above.

Clinical Genomics, Uppaluri K&H Personalized Medicine Clinic
Classification: Benign for Wolfram syndrome 1. Review status: criteria provided, single submitter. Criteria: K & H Uppaluri Personalized Medicine Clinic Variant Classification & Assertion Criteria_Updated V.1. Collection method: research. Allele origin: unknown. Inheritance: Autosomal recessive inheritance.
Comment: Potent mutations in WFS1 gene are associated with Wolfram's syndrome, an autosomal recessive condition, which cause diabetes mellitus, diabetes insipidus, deafness and optic atrophy. However no sufficient evidence is found to ascertain the role of this particular variant rs56072224 in Wolfram's syndrome yet.

Literature cited by the submitters: PubMed 20738327 (cited by Clinical Genomics, Uppaluri K&H Personalized Medicine Clinic); PubMed 33879153 (cited by Clinical Genomics, Uppaluri K&H Personalized Medicine Clinic); PubMed 12955714 (cited by Clinical Genomics, Uppaluri K&H Personalized Medicine Clinic); PubMed 18060660 (cited by Clinical Genomics, Uppaluri K&H Personalized Medicine Clinic); PubMed 20301750 (cited by Clinical Genomics, Uppaluri K&H Personalized Medicine Clinic); PubMed 17603484 (cited by Clinical Genomics, Uppaluri K&H Personalized Medicine Clinic).